The following is an entry in ClinVar:

NM_001458.5(FLNC):c.3937C>T (p.Arg1313Ter)

Gene: FLNC (filamin C; plus strand). Cytogenetic location: 7q32.1.
Variant type: single nucleotide variant.
Coding change: c.3937C>T on transcript NM_001458.5 (MANE Select); coding-DNA position 3937, C replaced by T.
Protein change: p.Arg1313Ter; replaces arginine 1313 with a stop codon.
Molecular consequence: nonsense.
Genome position (GRCh38, 1-based): chr7:128,846,136, C>T. VCF-style: chr7-128846136-C-T. GRCh37 (hg19) VCF-style: chr7-128486190-C-T.
Other names: c.3937C>T, p.Arg1313Ter (NM_001127487.2); short protein forms R1313*.
Identifiers: ClinVar variation 579589 (VCV000579589.16), dbSNP rs766330686, ClinGen allele CA369198767.

ClinVar aggregate classification (germline): Pathogenic/Likely pathogenic. Review status: criteria provided, multiple submitters, no conflicts (2 of 4 stars). 5 submissions from 5 submitters: Pathogenic (4); Likely pathogenic (1). Last evaluated 2026-04-14.

Conditions:
Cardiovascular phenotype. Identifiers: MedGen CN230736.
Distal myopathy with posterior leg and anterior hand involvement. Also called: WILLIAMS DISTAL MYOPATHY. Identifiers: Orphanet 63273, MedGen C3279722, MONDO:0013550, OMIM 614065.
Hypertrophic cardiomyopathy 26. Also called: Cardiomyopathy, familial hypertrophic, 26. Identifiers: Orphanet 75249, MedGen C4310749, MONDO:0014883, OMIM 617047.
Myofibrillar myopathy 5. Also called: Filaminopathy (type); FILAMINOPATHY, AUTOSOMAL DOMINANT. Identifiers: Orphanet 171445, MedGen C1836050, MONDO:0012289, OMIM 609524.
Primary dilated cardiomyopathy (DCM). Also called: Dilated Cardiomyopathy. Identifiers: Orphanet 217604, MedGen C0007193, MeSH D002311, MONDO:0005021, HP:0001644. Inheritance: Various modes of inheritance.

Submissions (5):

Molecular Diagnostic Laboratory for Inherited Cardiovascular Disease, Montreal Heart Institute
Classification: Pathogenic for Cardiovascular phenotype. Last evaluated: 2026-04-14. Review status: criteria provided, single submitter. Criteria: ACMG Guidelines, 2015. Collection method: clinical testing. Allele origin: germline. Affected: yes.
Comment: PVS1, PS4_supp, PM2

Labcorp Genetics (formerly Invitae), Labcorp
Classification: Pathogenic for Distal myopathy with posterior leg and anterior hand involvement; Myofibrillar myopathy 5; Hypertrophic cardiomyopathy 26. Last evaluated: 2025-12-14. Review status: criteria provided, single submitter. Criteria: Invitae Variant Classification Sherloc (09022015). Collection method: clinical testing. Allele origin: germline.
Comment: This sequence change creates a premature translational stop signal (p.Arg1313*) in the FLNC gene. It is expected to result in an absent or disrupted protein product. Loss-of-function variants in FLNC are known to be pathogenic (PMID: 27908349). This variant is not present in population databases (gnomAD no frequency). This variant has not been reported in the literature in individuals affected with FLNC-related conditions. ClinVar contains an entry for this variant (Variation ID: 579589). For these reasons, this variant has been classified as Pathogenic.

Ambry Genetics
Classification: Pathogenic for Cardiovascular phenotype. Last evaluated: 2025-05-08. Review status: criteria provided, single submitter. Criteria: Ambry Variant Classification Scheme 2023. Collection method: clinical testing. Allele origin: germline.
Comment: The p.R1313* pathogenic mutation (also known as c.3937C>T), located in coding exon 22 of the FLNC gene, results from a C to T substitution at nucleotide position 3937. This changes the amino acid from an arginine to a stop codon within coding exon 22. This variant is considered to be rare based on population cohorts in the Genome Aggregation Database (gnomAD). This alteration is expected to result in loss of function by premature protein truncation or nonsense-mediated mRNA decay. As such, this alteration is interpreted as a disease-causing mutation.

GeneDx
Classification: Likely pathogenic. Last evaluated: 2024-10-15. Review status: criteria provided, single submitter. Criteria: GeneDx Variant Classification Process June 2021. Collection method: clinical testing. Allele origin: germline. Affected: yes.
Comment: Not observed at significant frequency in large population cohorts (gnomAD); Nonsense variant predicted to result in protein truncation or nonsense mediated decay in a gene for which loss of function is a known mechanism of disease; This variant is associated with the following publications: (PMID: 36264615)

Molecular Genetics, Royal Melbourne Hospital
Classification: Pathogenic for Primary dilated cardiomyopathy. Last evaluated: 2023-09-04. Review status: criteria provided, single submitter. Criteria: ACMG Guidelines, 2015. Collection method: clinical testing. Allele origin: germline. Inheritance: Autosomal dominant inheritance. Affected: yes.
Comment: This sequence change in FLNC is a nonsense variant predicted to cause a premature stop codon, p.(Arg1313*), in biologically relevant exon 22/48 leading to nonsense-mediated decay in a gene in which loss of function is an established disease mechanism. This variant is absent from the population database gnomAD v2.1 and v3.1. This variant has been reported in at least two probands with dilated cardiomyopathy (PMID: 34535832; Royal Melbourne Hospital). Based on the classification scheme RMH Modified ACMG/AMP Guidelines v1.6.1, this variant is classified as PATHOGENIC. Following criteria are met: PVS1, PM2_Supporting, PS4_Supporting.

Literature cited by the submitters: PubMed 27908349 (cited by Labcorp Genetics (formerly Invitae), Labcorp); PubMed 34535832 (cited by Molecular Genetics, Royal Melbourne Hospital).